The following is an entry in ClinVar:

NM_001039591.3(USP9X):c.307G>A (p.Asp103Asn)

Gene: USP9X (ubiquitin specific peptidase 9 X-linked; plus strand). Cytogenetic location: Xp11.4.
Variant type: single nucleotide variant.
Coding change: c.307G>A on transcript NM_001039591.3 (MANE Select); coding-DNA position 307, G replaced by A.
Protein change: p.Asp103Asn; replaces aspartic acid 103 with asparagine.
Molecular consequence: missense variant.
Genome position (GRCh38, 1-based): chrX:41,131,521, G>A. VCF-style: chrX-41131521-G-A. GRCh37 (hg19) VCF-style: chrX-40990774-G-A.
Other names: c.307G>A (NM_001039590.2); c.307G>A, p.Asp103Asn (NM_001039590.3, NM_001410748.1, NM_001410749.1); short protein forms D103N.
Identifiers: ClinVar variation 1929193 (VCV001929193.33), dbSNP rs1569161226, ClinGen allele CA412761292.
Genomic context (GRCh38, chrX:41,131,521, plus strand): 5'-CGATGGGTGGTTCCAGTTTTGCCGAAAGGGGAATTAGAAGTGCTTTTAGAAGCTGCTATT[G>A]ATCTTAGTAAAAAGGGTAAGTTATATGTTTTTATGCTTCCTATAATGTATGCTACTAGAT-3'
Protein context (NP_001034680.2, residues 93-113): ELEVLLEAAI[Asp103Asn]LSKKGLDVKS

ClinVar aggregate classification (germline): Uncertain significance. Review status: criteria provided, multiple submitters, no conflicts (2 of 4 stars). 3 submissions from 3 submitters: Uncertain significance (3). Last evaluated 2025-10-18.

Conditions:
Inborn genetic diseases. Identifiers: MedGen C0950123, MeSH D030342.

Allele frequency attached by ClinVar (database versions not stated): gnomAD exomes 0.00001.
gnomAD v4.1: 11 of 1,206,426 alleles (0.00091%); highest among the groups gnomAD compares: Non-Finnish European, 0.0012%; no homozygotes.

Submissions (3):

Ambry Genetics
Classification: Uncertain significance for Inborn genetic diseases. Last evaluated: 2025-10-18. Review status: criteria provided, single submitter. Criteria: Ambry Variant Classification Scheme 2023. Collection method: clinical testing. Allele origin: germline.

CeGaT Center for Human Genetics Tuebingen
Classification: Uncertain significance. Last evaluated: 2023-03-01. Review status: criteria provided, single submitter. Criteria: CeGaT Center For Human Genetics Tuebingen Variant Classification Criteria Version 2. Collection method: clinical testing. Allele origin: germline. Affected: yes. Observed: 1 variant allele.

Labcorp Genetics (formerly Invitae), Labcorp
Classification: Uncertain significance. Last evaluated: 2022-07-26. Review status: criteria provided, single submitter. Criteria: Invitae Variant Classification Sherloc (09022015). Collection method: clinical testing. Allele origin: germline.
Comment: In summary, the available evidence is currently insufficient to determine the role of this variant in disease. Therefore, it has been classified as a Variant of Uncertain Significance. Algorithms developed to predict the effect of missense changes on protein structure and function are either unavailable or do not agree on the potential impact of this missense change (SIFT: "Deleterious"; PolyPhen-2: "Benign"; Align-GVGD: "Class C0"). This variant has not been reported in the literature in individuals affected with USP9X-related conditions. This variant is not present in population databases (gnomAD no frequency). This sequence change replaces aspartic acid, which is acidic and polar, with asparagine, which is neutral and polar, at codon 103 of the USP9X protein (p.Asp103Asn).